The following is an entry in ClinVar:

ClinVar aggregate classification (germline): Uncertain significance. Review status: criteria provided, multiple submitters, no conflicts (2 of 4 stars). 2 submissions from 2 submitters: Uncertain significance (2). Last evaluated 2025-12-19.

Conditions:
Inborn genetic diseases. Identifiers: MedGen C0950123, MeSH D030342.

gnomAD v4.1: 42 of 1,612,490 alleles (0.0026%); highest among the groups gnomAD compares: Non-Finnish European, 0.0031%; no homozygotes.

Submissions (2):

Labcorp Genetics (formerly Invitae), Labcorp
Classification: Uncertain significance. Last evaluated: 2025-12-19. Review status: criteria provided, single submitter. Criteria: Invitae Variant Classification Sherloc (09022015). Collection method: clinical testing. Allele origin: germline.
Comment: This sequence change replaces asparagine, which is neutral and polar, with serine, which is neutral and polar, at codon 1000 of the TONSL protein (p.Asn1000Ser). This variant is present in population databases (rs145153208, gnomAD 0.004%). This variant has not been reported in the literature in individuals affected with TONSL-related conditions. ClinVar contains an entry for this variant (Variation ID: 3972244). Invitae Evidence Modeling of protein sequence and biophysical properties (such as structural, functional, and spatial information, amino acid conservation, physicochemical variation, residue mobility, and thermodynamic stability) indicates that this missense variant is expected to disrupt TONSL protein function with a positive predictive value of 80%. In summary, the available evidence is currently insufficient to determine the role of this variant in disease. Therefore, it has been classified as a Variant of Uncertain Significance.

Ambry Genetics
Classification: Uncertain significance for Inborn genetic diseases. Last evaluated: 2025-05-19. Review status: criteria provided, single submitter. Criteria: Ambry Variant Classification Scheme 2023. Collection method: clinical testing. Allele origin: germline.

NM_013432.5(TONSL):c.2999A>G (p.Asn1000Ser)

Gene: TONSL (tonsoku like, DNA repair protein; minus strand). Cytogenetic location: 8q24.3.
Variant type: single nucleotide variant.
Coding change: c.2999A>G on transcript NM_013432.5 (MANE Select); coding-DNA position 2999, A replaced by G.
Protein change: p.Asn1000Ser; replaces asparagine 1000 with serine.
Molecular consequence: missense variant.
Genome position (GRCh38, 1-based): chr8:144,435,024, T>C on the plus strand (A>G on the coding strand, the complement: TONSL is on the minus strand). VCF-style: chr8-144435024-T-C. GRCh37 (hg19) VCF-style: chr8-145660407-T-C.
Other names: short protein forms N1000S.
Identifiers: ClinVar variation 3972244 (VCV003972244.2).